The following is an entry in ClinVar:

ClinVar aggregate classification (germline): Uncertain significance (1 of 4 stars; one submission).

Conditions:
GLUT1 deficiency syndrome 1, autosomal recessive. Identifiers: MedGen C3149117.

Submission:

Labcorp Genetics (formerly Invitae), Labcorp
Classification: Uncertain significance for GLUT1 deficiency syndrome 1, autosomal recessive. Last evaluated: 2021-05-08. Review status: criteria provided, single submitter. Criteria: Invitae Variant Classification Sherloc (09022015). Collection method: clinical testing. Allele origin: germline.
Comment: In summary, the available evidence is currently insufficient to determine the role of this variant in disease. Therefore, it has been classified as a Variant of Uncertain Significance. Advanced modeling of protein sequence and biophysical properties (such as structural, functional, and spatial information, amino acid conservation, physicochemical variation, residue mobility, and thermodynamic stability) performed at Invitae indicates that this missense variant is not expected to disrupt SLC2A1 protein function. This variant has not been reported in the literature in individuals with SLC2A1-related conditions. This variant is not present in population databases (ExAC no frequency). This sequence change replaces leucine with methionine at codon 482 of the SLC2A1 protein (p.Leu482Met). The leucine residue is weakly conserved and there is a small physicochemical difference between leucine and methionine.

NM_006516.4(SLC2A1):c.1444C>A (p.Leu482Met)

Gene: SLC2A1 (solute carrier family 2 member 1; minus strand). Cytogenetic location: 1p34.2.
Variant type: single nucleotide variant.
Coding change: c.1444C>A on transcript NM_006516.4 (MANE Select); coding-DNA position 1444, C replaced by A.
Protein change: p.Leu482Met; replaces leucine 482 with methionine.
Molecular consequence: missense variant.
Genome position (GRCh38, 1-based): chr1:42,927,076, G>T on the plus strand (C>A on the coding strand, the complement: SLC2A1 is on the minus strand). VCF-style: chr1-42927076-G-T. GRCh37 (hg19) VCF-style: chr1-43392747-G-T.
Other names: short protein forms L482M.
Identifiers: ClinVar variation 1484560 (VCV001484560.8), dbSNP rs2124445354, ClinGen allele CA339952486.